The following is an entry in ClinVar:

NM_000212.3(ITGB3):c.2224A>G (p.Lys742Glu)

Genes: EFCAB13-DT (EFCAB13 divergent transcript; minus strand), ITGB3 (integrin subunit beta 3; plus strand). Cytogenetic location: 17q21.32.
Variant type: single nucleotide variant.
Coding change: c.2224A>G on transcript NM_000212.3 (MANE Select); coding-DNA position 2224, A replaced by G.
Protein change: p.Lys742Glu; replaces lysine 742 with glutamic acid.
Molecular consequence: missense variant.
Genome position (GRCh38, 1-based): chr17:47,307,560, A>G. VCF-style: chr17-47307560-A-G. GRCh37 (hg19) VCF-style: chr17-45384926-A-G.
Other names: short protein forms K742E.
Identifiers: ClinVar variation 627278 (VCV000627278.6), dbSNP rs1598702813, ClinGen allele CA400034203.

ClinVar aggregate classification (germline): Uncertain significance. Review status: criteria provided, multiple submitters, no conflicts (2 of 4 stars). 2 submissions from 2 submitters: Uncertain significance (2). Last evaluated 2022-08-05.

Conditions:
Thrombocytopenia. Identifiers: MedGen C0040034, MeSH D013921, MONDO:0002049, HP:0001873.

Submissions (2):

Labcorp Genetics (formerly Invitae), Labcorp
Classification: Uncertain significance. Last evaluated: 2022-08-05. Review status: criteria provided, single submitter. Criteria: Invitae Variant Classification Sherloc (09022015). Collection method: clinical testing. Allele origin: germline.
Comment: In summary, the available evidence is currently insufficient to determine the role of this variant in disease. Therefore, it has been classified as a Variant of Uncertain Significance. This sequence change replaces lysine, which is basic and polar, with glutamic acid, which is acidic and polar, at codon 742 of the ITGB3 protein (p.Lys742Glu). This variant is not present in population databases (gnomAD no frequency). This missense change has been observed in individual(s) with ITGB3-related conditions (PMID: 31064749). ClinVar contains an entry for this variant (Variation ID: 627278). Algorithms developed to predict the effect of missense changes on protein structure and function (SIFT, PolyPhen-2, Align-GVGD) all suggest that this variant is likely to be disruptive.

NIHR Bioresource Rare Diseases, University of Cambridge
Classification: Uncertain significance for Thrombocytopenia. Last evaluated: 2019-02-01. Review status: criteria provided, single submitter. Criteria: ACMG Guidelines, 2015. Collection method: research. Allele origin: unknown. Affected: yes. Observed: 1 heterozygote. Study: ThromboGenomics.

Literature cited by the submitters: PubMed 31064749 (cited by Labcorp Genetics (formerly Invitae), Labcorp and NIHR Bioresource Rare Diseases, University of Cambridge).